The following is an entry in ClinVar:

ClinVar aggregate classification (germline): Uncertain significance. Review status: criteria provided, multiple submitters, no conflicts (2 of 4 stars). 2 submissions from 2 submitters: Uncertain significance (2). Last evaluated 2025-02-09.

Conditions:
Hereditary cancer-predisposing syndrome. Also called: Hereditary Cancer Syndrome; Neoplastic Syndromes, Hereditary; Hereditary neoplastic syndrome; Tumor predisposition. Identifiers: Orphanet 140162, MedGen C0027672, MeSH D009386, MONDO:0015356.
Tumor predisposition syndrome 3 (TPDS3). Also called: Glioma susceptibility 9; LONG TELOMERE SYNDROME, POT1-RELATED; POT1 Tumor Predisposition; Melanoma, cutaneous malignant, susceptibility to, 10. Identifiers: Orphanet 618, MedGen C4014476, MONDO:0014368, OMIM 615848.

Submissions (2):

Labcorp Genetics (formerly Invitae), Labcorp
Classification: Uncertain significance for Tumor predisposition syndrome 3. Last evaluated: 2025-02-09. Review status: criteria provided, single submitter. Criteria: Invitae Variant Classification Sherloc (09022015). Collection method: clinical testing. Allele origin: germline.
Comment: This sequence change replaces glycine, which is neutral and non-polar, with glutamic acid, which is acidic and polar, at codon 551 of the POT1 protein (p.Gly551Glu). This variant is not present in population databases (gnomAD no frequency). This variant has not been reported in the literature in individuals affected with POT1-related conditions. Invitae Evidence Modeling of protein sequence and biophysical properties (such as structural, functional, and spatial information, amino acid conservation, physicochemical variation, residue mobility, and thermodynamic stability) indicates that this missense variant is not expected to disrupt POT1 protein function with a negative predictive value of 80%. In summary, the available evidence is currently insufficient to determine the role of this variant in disease. Therefore, it has been classified as a Variant of Uncertain Significance.

Ambry Genetics
Classification: Uncertain significance for Hereditary cancer-predisposing syndrome. Last evaluated: 2025-01-23. Review status: criteria provided, single submitter. Criteria: Ambry Variant Classification Scheme 2023. Collection method: clinical testing. Allele origin: germline.
Comment: The p.G551E variant (also known as c.1652G>A), located in coding exon 13 of the POT1 gene, results from a G to A substitution at nucleotide position 1652. The glycine at codon 551 is replaced by glutamic acid, an amino acid with similar properties. This amino acid position is conserved. In addition, this alteration is predicted to be tolerated by in silico analysis. Based on the available evidence, the clinical significance of this variant remains unclear.

NM_015450.3(POT1):c.1652G>A (p.Gly551Glu)

Gene: POT1 (protection of telomeres 1; minus strand). Cytogenetic location: 7q31.33.
Variant type: single nucleotide variant.
Coding change: c.1652G>A on transcript NM_015450.3 (MANE Select); coding-DNA position 1652, G replaced by A.
Protein change: p.Gly551Glu; replaces glycine 551 with glutamic acid.
Molecular consequence: missense variant. On other transcripts: non-coding transcript variant (3).
Genome position (GRCh38, 1-based): chr7:124,827,248, C>T on the plus strand (G>A on the coding strand, the complement: POT1 is on the minus strand). VCF-style: chr7-124827248-C-T. GRCh37 (hg19) VCF-style: chr7-124467302-C-T.
Other names: c.1259G>A, p.Gly420Glu (NM_001042594.2); short protein forms G420E, G551E.
Identifiers: ClinVar variation 3782000 (VCV003782000.2).
Genomic context (GRCh38, chr7:124,827,248, plus strand): 5'-ATATCTTTATTACCTCTGATACTTACAGAATCCATGAGATAGGCTTCTAGTACTCCTGTT[C>T]CATCATCAAGTGTAAAGGTCATAACAAACACATATTGGAGGGGTACAATACCCAGTGCTA-3'
Protein context (NP_056265.2, residues 541-561): VFVMTFTLDD[Gly551Glu]TGVLEAYLMD